The following is an entry in ClinVar:

ClinVar aggregate classification (germline): Likely benign (1 of 4 stars; one submission).

Submission:

CeGaT Center for Human Genetics Tuebingen
Classification: Likely benign. Last evaluated: 2024-07-01. Review status: criteria provided, single submitter. Criteria: CeGaT Center For Human Genetics Tuebingen Variant Classification Criteria Version 2. Collection method: clinical testing. Allele origin: germline. Affected: yes. Observed: 1 variant allele.
Comment: UBE3A: PM2:Supporting, BP4, BP7

NM_130839.5(UBE3A):c.438A>G (p.Leu146=)

Genes: SNHG14 (small nucleolar RNA host gene 14; plus strand), UBE3A (ubiquitin protein ligase E3A; minus strand). Cytogenetic location: 15q11.2.
Variant type: single nucleotide variant.
Coding change: c.438A>G on transcript NM_130839.5 (MANE Select); coding-DNA position 438, A replaced by G.
Protein change: p.Leu146=; no amino-acid change (leucine 146 retained).
Molecular consequence: synonymous variant. On other transcripts: non-coding transcript variant (1), intron variant (2).
Genome position (GRCh38, 1-based): chr15:25,371,736, T>C on the plus strand (A>G on the coding strand, the complement: UBE3A is on the minus strand). VCF-style: chr15-25371736-T-C. GRCh37 (hg19) VCF-style: chr15-25616883-T-C.
Other names: c.447A>G, p.Leu149= (NM_000462.5); c.438A>G, p.Leu146= (NM_001354505.1, NM_001354538.2, NM_001354545.2); c.378A>G, p.Leu126= (NM_001354506.2, NM_001354507.2, NM_001354508.2 and 17 more transcripts); c.261A>G, p.Leu87= (NM_001354546.2); c.301+3729A>G (NM_001354551.2); c.361+3729A>G (NM_001354550.2).
Identifiers: ClinVar variation 3257212 (VCV003257212.17).